The following is an entry in ClinVar:

ClinVar aggregate classification (germline): Pathogenic. Review status: criteria provided, multiple submitters, no conflicts (2 of 4 stars). 2 submissions from 2 submitters: Pathogenic (2). Last evaluated 2023-03-25.

Conditions:
Inborn genetic diseases. Identifiers: MedGen C0950123, MeSH D030342.

Submissions (2):

GeneDx
Classification: Pathogenic. Last evaluated: 2023-03-25. Review status: criteria provided, single submitter. Criteria: GeneDx Variant Classification Process June 2021. Collection method: clinical testing. Allele origin: germline. Affected: yes.
Comment: Nonsense variant predicted to result in protein truncation or nonsense mediated decay in a gene for which loss-of-function is a known mechanism of disease; Not observed in large population cohorts (gnomAD); This variant is associated with the following publications: (PMID: 26235985, 31618753, 32135084, 28333917)

Ambry Genetics
Classification: Pathogenic for Inborn genetic diseases. Last evaluated: 2020-01-28. Review status: criteria provided, single submitter. Criteria: Ambry Variant Classification Scheme 2023. Collection method: clinical testing. Allele origin: germline.
Comment: The alteration results in a premature stop codon: _x000D_ _x000D_ The c.233C>G (p.S78*) alteration, located in coding exon 4 of the DDX3X gene, results from a C to G substitution at nucleotide position 233. This changes the amino acid from a serine (S) to a stop codon at amino acid position 78. This alteration is expected to result in loss of function by premature protein truncation or nonsense-mediated mRNA decay. The alteration is not observed in population databases: _x000D_ _x000D_ Based on data from the Genome Aggregation Database (gnomAD), the DDX3X c.233C>G alteration was not observed, with coverage at this position. Based on the available evidence, this alteration is classified as pathogenic.

Literature cited by the submitters: PubMed 26235985 (cited by Ambry Genetics); PubMed 28333917 (cited by Ambry Genetics).

NM_001356.5(DDX3X):c.233C>G (p.Ser78Ter)

Gene: DDX3X (DEAD-box helicase 3 X-linked; plus strand). Cytogenetic location: Xp11.4.
Variant type: single nucleotide variant.
Coding change: c.233C>G on transcript NM_001356.5 (MANE Select); coding-DNA position 233, C replaced by G.
Protein change: p.Ser78Ter; replaces serine 78 with a stop codon.
Molecular consequence: nonsense. On other transcripts: 5 prime UTR variant (1), non-coding transcript variant (1).
Genome position (GRCh38, 1-based): chrX:41,341,565, C>G. VCF-style: chrX-41341565-C-G. GRCh37 (hg19) VCF-style: chrX-41200818-C-G.
Other names: c.233C>G, p.Ser78Ter (NM_001193416.3); c.185C>G, p.Ser62Ter (NM_001193417.3); c.-326C>G (NM_001363819.1); short protein forms S78*, S62*.
Identifiers: ClinVar variation 280371 (VCV000280371.9), dbSNP rs886041589, ClinGen allele CA10603727.